The following is an entry in ClinVar:

ClinVar aggregate classification (germline): Uncertain significance (1 of 4 stars; one submission).

Allele frequency attached by ClinVar (database versions not stated): gnomAD exomes below 0.00001.
gnomAD v4.1: 2 of 1,614,084 alleles (0.00012%); highest among the groups gnomAD compares: Non-Finnish European, 0.00017%; no homozygotes.

Submission:

GeneDx
Classification: Uncertain significance. Last evaluated: 2021-07-01. Review status: criteria provided, single submitter. Criteria: GeneDx Variant Classification Process June 2021. Collection method: clinical testing. Allele origin: germline. Affected: yes.
Comment: Not observed at significant frequency in large population cohorts (Lek et al., 2016); In silico analysis supports that this missense variant does not alter protein structure/function; Has not been previously published as pathogenic or benign to our knowledge; This variant is associated with the following publications: (PMID: 27839871, 27535533)

NM_001134407.3(GRIN2A):c.2229A>C (p.Glu743Asp)

Gene: GRIN2A (glutamate ionotropic receptor NMDA type subunit 2A; minus strand). Cytogenetic location: 16p13.2.
Variant type: single nucleotide variant.
Coding change: c.2229A>C on transcript NM_001134407.3 (MANE Select); coding-DNA position 2229, A replaced by C.
Protein change: p.Glu743Asp; replaces glutamic acid 743 with aspartic acid.
Molecular consequence: missense variant.
Genome position (GRCh38, 1-based): chr16:9,798,404, T>G on the plus strand (A>C on the coding strand, the complement: GRIN2A is on the minus strand). VCF-style: chr16-9798404-T-G. GRCh37 (hg19) VCF-style: chr16-9892261-T-G.
Other names: c.2229A>C, p.Glu743Asp (NM_000833.5, NM_001134408.2); short protein forms E743D.
Identifiers: ClinVar variation 1331237 (VCV001331237.2), dbSNP rs1266182066, ClinGen allele CA394797214.